The following is an entry in ClinVar:

ClinVar aggregate classification (germline): Pathogenic. Review status: criteria provided, multiple submitters, no conflicts (2 of 4 stars). 3 submissions from 3 submitters: Pathogenic (3). Last evaluated 2025-12-11.

Conditions:
Polycystic kidney disease, adult type (PKD1). Also called: Polycystic Kidney, Autosomal Dominant; POLYCYSTIC KIDNEY DISEASE 1 WITH OR WITHOUT POLYCYSTIC LIVER DISEASE; POLYCYSTIC KIDNEY DISEASE, ADULT, TYPE I; Polycystic Kidney Disease 1, Autosomal Dominant; Polycystic kidney disease 1; Polycystic kidney disease 1, severe. Identifiers: MedGen C3149841, MONDO:0008263, OMIM 173900.

Submissions (3):

Victorian Clinical Genetics Services, Murdoch Childrens Research Institute
Classification: Pathogenic for Polycystic kidney disease, adult type. Last evaluated: 2025-12-11. Review status: criteria provided, single submitter. Criteria: ACMG Guidelines, 2015. Collection method: clinical testing. Allele origin: germline. Affected: yes.
Comment: This variant is classified as Pathogenic. Evidence in support of pathogenic classification: Variant is predicted to cause nonsense-mediated decay (NMD) and loss of protein (premature termination codon is located at least 54 nucleotides upstream of the final exon-exon junction); Variant is absent from gnomAD (v2, v3 and v4); This variant has limited previous evidence of pathogenicity in unrelated individual(s). This variant has been classified as pathogenic by clinical laboratories in ClinVar; Other NMD-predicted variant(s) comparable to the one identified in this case have very strong previous evidence for pathogenicity (DECIPHER). Additional information: This variant is heterozygous; This gene is associated with autosomal dominant disease. Polycystic kidney disease 1 (MIM#173900) is predominantly caused by monoallelic variants, with rare reports of biallelic variants causing disease (OMIM); Loss of function is a known mechanism of disease in this gene and is associated with polycystic kidney disease 1 (MIM#173900); Inheritance information for this variant is not currently available in this individual.

Women's Health and Genetics/Laboratory Corporation of America, LabCorp
Classification: Pathogenic for Polycystic kidney disease, adult type. Last evaluated: 2025-01-29. Review status: criteria provided, single submitter. Criteria: LabCorp Variant Classification Summary - May 2015. Collection method: clinical testing. Allele origin: germline.
Comment: Variant summary: PKD1 c.1684C>T (p.Gln562X) results in a premature termination codon, predicted to cause a truncation of the encoded protein or absence of the protein due to nonsense mediated decay, which are commonly known mechanisms for disease. The frequency data for this variant in gnomAD is considered unreliable, as metrics indicate poor data quality at this position. c.1684C>T has been reported in the literature in individuals affected with Polycystic Kidney Disease 1 (example: Rossetti_2007). These data indicate that the variant may be associated with disease. The following publication has been ascertained in the context of this evaluation (PMID: 17582161). ClinVar contains an entry for this variant (Variation ID: 3335827). Based on the evidence outlined above, the variant was classified as pathogenic.

Juno Genomics, Hangzhou Juno Genomics, Inc
Classification: Pathogenic for Polycystic kidney disease, adult type. Review status: criteria provided, single submitter. Criteria: ACMG Guidelines, 2015. Collection method: clinical testing. Allele origin: germline. Affected: yes.
Comment: Null variant in a gene where loss of function (LOF) is a known mechanism of disease.;Absent from controls (or at extremely low frequency if recessive) in Genome Aggregation Database, Exome Sequencing Project, 1000 Genomes Project, or Exome Aggregation Consortium.;The prevalence of the variant in affected individuals is significantly increased compared to the prevalence in controls.;Patient's phenotype or family history is highly specific for a disease with a single genetic etiology.

Literature cited by the submitters: PubMed 17582161 (cited by Women's Health and Genetics/Laboratory Corporation of America, LabCorp).

NM_001009944.3(PKD1):c.1684C>T (p.Gln562Ter)

Gene: PKD1 (polycystin 1, transient receptor potential channel interacting; minus strand). Cytogenetic location: 16p13.3.
Variant type: single nucleotide variant.
Coding change: c.1684C>T on transcript NM_001009944.3 (MANE Select); coding-DNA position 1684, C replaced by T.
Protein change: p.Gln562Ter; replaces glutamine 562 with a stop codon.
Molecular consequence: nonsense.
Genome position (GRCh38, 1-based): chr16:2,116,567, G>A on the plus strand (C>T on the coding strand, the complement: PKD1 is on the minus strand). VCF-style: chr16-2116567-G-A. GRCh37 (hg19) VCF-style: chr16-2166568-G-A.
Other names: c.1684C>T, p.Gln562Ter (NM_000296.4); short protein forms Q562*.
Identifiers: ClinVar variation 3335827 (VCV003335827.5).